The following is an entry in ClinVar:

ClinVar aggregate classification (germline): Uncertain significance (1 of 4 stars; one submission).

Submission:

Women's Health and Genetics/Laboratory Corporation of America, LabCorp
Classification: Uncertain significance. Last evaluated: 2025-02-24. Review status: criteria provided, single submitter. Criteria: LabCorp Variant Classification Summary - May 2015. Collection method: clinical testing. Allele origin: germline.
Comment: Variant summary: NSUN3 c.110G>A (p.Trp37X) results in a premature termination codon, predicted to cause a truncation of the encoded protein or absence of the protein due to nonsense mediated decay, however current evidence is not sufficient to establish loss of function as a mechanism for disease. The variant was absent in 250874 control chromosomes. The available data on variant occurrences in the general population are insufficient to allow any conclusion about variant significance. To our knowledge, no occurrence of c.110G>A in individuals affected with Combined Oxidative Phosphorylation Deficiency 48 and no experimental evidence demonstrating its impact on protein function have been reported. No submitters have cited clinical-significance assessments for this variant to ClinVar. Based on the evidence outlined above, the variant was classified as uncertain significance.

NM_022072.5(NSUN3):c.110G>A (p.Trp37Ter)

Gene: NSUN3 (NOP2/Sun RNA methyltransferase 3; plus strand). Cytogenetic location: 3q11.2.
Variant type: single nucleotide variant.
Coding change: c.110G>A on transcript NM_022072.5 (MANE Select); coding-DNA position 110, G replaced by A.
Protein change: p.Trp37Ter; replaces tryptophan 37 with a stop codon.
Molecular consequence: nonsense.
Genome position (GRCh38, 1-based): chr3:94,064,534, G>A. VCF-style: chr3-94064534-G-A. GRCh37 (hg19) VCF-style: chr3-93783378-G-A.
Other names: short protein forms W37*.
Identifiers: ClinVar variation 3768849 (VCV003768849.1).
Genomic context (GRCh38, chr3:94,064,534, plus strand): 5'-TTTGCAAAGTTGTGTTGGATCATTTTGAAAAACAGTATTCCAAAGAACTCGGAGATGCCT[G>A]GAATACAGTAAGGTTAGTATAATTCATCTCGATGCTTTATGATGGAACAAAGTACAATAT-3'